The following is an entry in ClinVar:

NM_020759.3(STARD9):c.9367C>A (p.Gln3123Lys)

Gene: STARD9 (StAR related lipid transfer domain containing 9; plus strand). Cytogenetic location: 15q15.2.
Variant type: single nucleotide variant.
Coding change: c.9367C>A on transcript NM_020759.3 (MANE Select); coding-DNA position 9367, C replaced by A.
Protein change: p.Gln3123Lys; replaces glutamine 3123 with lysine.
Molecular consequence: missense variant.
Genome position (GRCh38, 1-based): chr15:42,690,945, C>A. VCF-style: chr15-42690945-C-A. GRCh37 (hg19) VCF-style: chr15-42983143-C-A.
Other names: short protein forms Q3123K.
Identifiers: ClinVar variation 2399210 (VCV002399210.4), dbSNP rs565525729, ClinGen allele CA269902168.
Genomic context (GRCh38, chr15:42,690,945, plus strand): 5'-TTCCCTGCAGGCATGTACTCTGAGCCCCTGAGGCAGTTTAGGGACAGCTCTGTAGGTGAC[C>A]AGAATGCACAGGTGTGTCAAACCAATCCAGAACCACCTGCAACAACTCAGGGACCACACA-3'
Protein context (NP_065810.2, residues 3113-3133): RQFRDSSVGD[Gln3123Lys]NAQVCQTNPE

ClinVar aggregate classification (germline): Uncertain significance. Review status: criteria provided, multiple submitters, no conflicts (2 of 4 stars). 2 submissions from 2 submitters: Uncertain significance (2). Last evaluated 2024-11-21.

Allele frequency attached by ClinVar (database versions not stated): gnomAD 0.00005; TOPMed 0.00018; 1000 Genomes Project 30x 0.00031; 1000 Genomes Project 0.00040.
gnomAD v4.1: 15 of 1,537,180 alleles (0.00098%); highest among the groups gnomAD compares: Admixed American, 0.024%; no homozygotes.

Submissions (2):

Greenwood Genetic Center Diagnostic Laboratories, Greenwood Genetic Center
Classification: Uncertain significance. Last evaluated: 2024-11-21. Review status: criteria provided, single submitter. Criteria: ACMG Guidelines, 2015. Collection method: clinical testing. Allele origin: germline. Affected: yes.
Comment: Gene of Uncertain Significance

Ambry Genetics
Classification: Uncertain significance. Last evaluated: 2024-06-04. Review status: criteria provided, single submitter. Criteria: Ambry Variant Classification Scheme 2023. Collection method: clinical testing. Allele origin: germline.